The following is an entry in ClinVar:

NM_032638.5(GATA2):c.230-3C>A

Gene: GATA2 (GATA binding protein 2; minus strand). Cytogenetic location: 3q21.3.
Variant type: single nucleotide variant.
Coding change: c.230-3C>A on transcript NM_032638.5 (MANE Select); 3 bases into the intron before coding-DNA position 230, C replaced by A.
Molecular consequence: intron variant.
Genome position (GRCh38, 1-based): chr3:128,486,371, G>T on the plus strand (C>A on the coding strand, the complement: GATA2 is on the minus strand). VCF-style: chr3-128486371-G-T. GRCh37 (hg19) VCF-style: chr3-128205214-G-T.
Other names: c.230-3C>A (NM_001145662.1, NM_001145661.2).
Identifiers: ClinVar variation 4793124 (VCV004793124.1).

ClinVar aggregate classification (germline): Uncertain significance (1 of 4 stars; one submission).

Conditions:
Monocytopenia with susceptibility to infections. Also called: MONOCYTOPENIA AND MYCOBACTERIAL INFECTION SYNDROME; MONOCYTOPENIA WITH SUSCEPTIBILITY TO MYCOBACTERIAL, FUNGAL, AND PAPILLOMAVIRUS INFECTIONS AND MYELODYSPLASIA; COMBINED IMMUNODEFICIENCY WITH SUSCEPTIBILITY TO MYCOBACTERIAL, VIRAL, AND FUNGAL INFECTIONS; Dendritic cell, monocyte, B lymphocyte, and natural killer lymphocyte deficiency; IMMUNODEFICIENCY 21; GATA2 DEFICIENCY. Identifiers: Orphanet 228423, MedGen C3280030, MONDO:0013607, OMIM 614172.
Deafness-lymphedema-leukemia syndrome. Also called: Lymphedema, primary, with myelodysplasia; Emberger syndrome. Identifiers: Orphanet 3226, MedGen C3279664, MONDO:0013540, OMIM 614038.

Submission:

Labcorp Genetics (formerly Invitae), Labcorp
Classification: Uncertain significance for Monocytopenia with susceptibility to infections; Deafness-lymphedema-leukemia syndrome. Last evaluated: 2025-05-13. Review status: criteria provided, single submitter. Criteria: Invitae Variant Classification Sherloc (09022015). Collection method: clinical testing. Allele origin: germline.
Comment: This sequence change falls in intron 2 of the GATA2 gene. It does not directly change the encoded amino acid sequence of the GATA2 protein. It affects a nucleotide within the consensus splice site. This variant is not present in population databases (gnomAD no frequency). This variant has not been reported in the literature in individuals affected with GATA2-related conditions. Variants that disrupt the consensus splice site are a relatively common cause of aberrant splicing (PMID: 17576681, 9536098). Algorithms developed to predict the effect of sequence changes on RNA splicing suggest that this variant may disrupt the consensus splice site. In summary, the available evidence is currently insufficient to determine the role of this variant in disease. Therefore, it has been classified as a Variant of Uncertain Significance.

Literature cited by the submitters: PubMed 17576681; PubMed 9536098.